The following is an entry in ClinVar:

NM_001059.3(TACR3):c.1057C>T (p.Pro353Ser)

Genes: TACR3 (tachykinin receptor 3; minus strand), TACR3-AS1 (TACR3 antisense RNA 1; plus strand). Cytogenetic location: 4q24.
Variant type: single nucleotide variant.
Coding change: c.1057C>T on transcript NM_001059.3 (MANE Select); coding-DNA position 1057, C replaced by T.
Protein change: p.Pro353Ser; replaces proline 353 with serine.
Molecular consequence: missense variant.
Genome position (GRCh38, 1-based): chr4:103,591,515, G>A on the plus strand (C>T on the coding strand, the complement: TACR3 is on the minus strand). VCF-style: chr4-103591515-G-A. GRCh37 (hg19) VCF-style: chr4-104512672-G-A.
Other names: short protein forms P353S.
Identifiers: ClinVar variation 14026 (VCV000014026.3), dbSNP rs121918125, ClinGen allele CA130194.

ClinVar aggregate classification (germline): Pathogenic. Review status: criteria provided, multiple submitters, no conflicts (2 of 4 stars). 4 submissions from 4 submitters: Pathogenic (2). 2 of the submissions do not count toward it. Last evaluated 2025-11-17.

Conditions:
Hypogonadotropic hypogonadism. Also called: Low gonadotropins (secondary hypogonadism); Hypogonadotropic hypogonadism with or without anosmia; Hypogonadotrophic hypogonadism; Isolated hypogonadotropic hypogonadism. Identifiers: Orphanet 432, MedGen C0271623, MONDO:0018555, HP:0000044.
Absence of pubertal development. Identifiers: MedGen C1846228, HP:0008197.
Hypogonadotropic hypogonadism 11 with or without anosmia (HH11). Also called: HYPOGONADOTROPIC HYPOGONADISM 11 WITHOUT ANOSMIA; TACR3-Related GnRH Deficiency. Identifiers: Orphanet 478, MedGen C3553844, MONDO:0013913, OMIM 614840.

Allele frequency attached by ClinVar (database versions not stated): gnomAD exomes below 0.00001; ExAC 0.00001.
gnomAD v4.1: 3 of 1,613,846 alleles (0.00019%); highest among the groups gnomAD compares: Middle Eastern, 0.017%; no homozygotes.

Submissions (4):

Intergen Genetics and Rare Diseases Diagnosis Center
Classification: Pathogenic for Hypogonadotropic hypogonadism; Absence of pubertal development. Last evaluated: 2025-11-17. Review status: criteria provided, single submitter. Criteria: ACMG Guidelines, 2015. Collection method: research. Allele origin: inherited. Inheritance: Autosomal recessive inheritance. Affected: yes. Observed: 1 homozygote.
Comment: This variant has been extensively reported in individuals with achondroplasia and is supported by functional studies demonstrating constitutive activation of FGFR3. The variant is absent or extremely rare in large population databases.

Labcorp Genetics (formerly Invitae), Labcorp
Classification: Pathogenic. Last evaluated: 2025-10-07. Review status: criteria provided, single submitter. Criteria: Invitae Variant Classification Sherloc (09022015). Collection method: clinical testing. Allele origin: germline.
Comment: This sequence change replaces proline, which is neutral and non-polar, with serine, which is neutral and polar, at codon 353 of the TACR3 protein (p.Pro353Ser). This variant is present in population databases (rs121918125, gnomAD 0.002%). This missense change has been observed in individuals with clinical features of idiopathic hypogonadotropic hypogonadism (PMID: 19079066, 23643382, 36964972). It has also been observed to segregate with disease in related individuals. ClinVar contains an entry for this variant (Variation ID: 14026). Invitae Evidence Modeling of protein sequence and biophysical properties (such as structural, functional, and spatial information, amino acid conservation, physicochemical variation, residue mobility, and thermodynamic stability) indicates that this missense variant is expected to disrupt TACR3 protein function with a positive predictive value of 80%. Experimental studies have shown that this missense change affects TACR3 function (PMID: 19079066). For these reasons, this variant has been classified as Pathogenic.

OMIM
Classification: Pathogenic for HYPOGONADOTROPIC HYPOGONADISM 11 WITHOUT ANOSMIA. Last evaluated: 2009-03-01. Review status: no assertion criteria provided. Collection method: literature only. Allele origin: germline. Not counted in ClinVar's aggregate classification.

UniProtKB/Swiss-Prot
No classification provided. Review status: no classification provided. Collection method: not provided. Allele origin: unknown. Not counted in ClinVar's aggregate classification.
Comment: Results in impaired receptor signaling

Literature cited by the submitters: DOI 10.1038/ng.306 (cited by Intergen Genetics and Rare Diseases Diagnosis Center); PubMed 19079066 (cited by Labcorp Genetics (formerly Invitae), Labcorp and OMIM); PubMed 23643382 (cited by Labcorp Genetics (formerly Invitae), Labcorp); PubMed 36964972 (cited by Labcorp Genetics (formerly Invitae), Labcorp).